The following is an entry in ClinVar:

ClinVar aggregate classification (germline): Pathogenic/Likely pathogenic. Review status: criteria provided, multiple submitters, no conflicts (2 of 4 stars). 29 submissions from 24 submitters: Pathogenic (11); Likely pathogenic (18). Last evaluated 2026-07-30.

Conditions:
Myosin storage myopathy (CMYO7A). Also called: MYOPATHY, HYALINE BODY, AUTOSOMAL DOMINANT; SCAPULOPERONEAL MUSCULAR DYSTROPHY; SCAPULOPERONEAL SYNDROME, MYOPATHIC TYPE; Scapuloperoneal myopathy, MYH7-related; MYOPATHY WITH LYSIS OF TYPE I MYOFIBRILS; MYH7-related late-onset scapuloperoneal muscular dystrophy. Identifiers: Orphanet 437572, Orphanet 636965, MedGen C1842160, MONDO:0008409, OMIM 608358.
MYH7-related disorder. Also called: MYH7-related disorders; MYH7-related condition; MYH7-related disease.
MYH7-related skeletal myopathy. Also called: Laing early-onset distal myopathy; Myopathy, distal, 1; MYOPATHY, DISTAL, EARLY-ONSET, AUTOSOMAL DOMINANT; MYOPATHY, LATE DISTAL HEREDITARY; Laing distal myopathy. Identifiers: Orphanet 59135, MedGen C4552004, MONDO:0008050, OMIM 160500.
Myopathy, myosin storage, autosomal recessive (CMYO7B). Also called: CONGENITAL MYOPATHY 7B, MYOSIN STORAGE, AUTOSOMAL RECESSIVE. Identifiers: Orphanet 636970, MedGen C1850709, MONDO:0009708, OMIM 255160.
Dilated cardiomyopathy 1S (CMD1S). Identifiers: Orphanet 154, Orphanet 54260, MedGen C1834481, MONDO:0013262, OMIM 613426.
Congenital myopathy with fiber type disproportion. Also called: Congenital fiber-type disproportion; Congenital fiber-type disproportion myopathy. Identifiers: Orphanet 2020, MedGen C0546264, MONDO:0009711. Inheritance: all.
Hypertrophic cardiomyopathy 1 (CMH1). Also called: Familial hypertrophic cardiomyopathy 1; MYH7-Related Familial Hypertrophic Cardiomyopathy. Identifiers: MedGen C3495498, MONDO:0008647, OMIM 192600.
Cardiovascular phenotype. Identifiers: MedGen CN230736.
Cardiomyopathy (CMYO). Also called: Cardiomyopathies. Identifiers: Orphanet 167848, MedGen C0878544, MONDO:0004994, HP:0001638. Inheritance: Various modes of inheritance.
Myopathy. Identifiers: MedGen C0026848, MeSH D009135, MONDO:0005336, HP:0003198.
Primary familial hypertrophic cardiomyopathy (HCM). Identifiers: Orphanet 99739, MedGen C0949658, MeSH D024741, MONDO:0024573. Inheritance: Various modes of inheritance.
Hypertrophic cardiomyopathy. Also called: HYPERTROPHIC MYOCARDIOPATHY. Identifiers: Orphanet 217569, MedGen C0007194, MeSH D002312, MONDO:0005045, HP:0001639.

Allele frequency attached by ClinVar (database versions not stated): gnomAD exomes 0.00001; gnomAD 0.00003; TOPMed 0.00003.
gnomAD v4.1: 20 of 1,614,080 alleles (0.0012%); highest among the groups gnomAD compares: Admixed American, 0.0033%; no homozygotes.

Submissions 1 to 6 of 29:

Ambry Genetics
Classification: Likely pathogenic for Cardiovascular phenotype. Last evaluated: 2026-07-30. Review status: criteria provided, single submitter. Criteria: Ambry Variant Classification Scheme 2023. Collection method: clinical testing. Allele origin: germline.
Comment: The p.R858C variant (also known as c.2572C>T), located in coding exon 20 of the MYH7 gene, results from a C to T substitution at nucleotide position 2572. The arginine at codon 858 is replaced by cysteine, an amino acid with highly dissimilar properties. This variant is located in the myosin head domain, which contains a statistically significant clustering of pathogenic missense variants (Homburger JR et al. Proc Natl Acad Sci U S A, 2016 06;113:6701-6; Walsh R et al. Genet Med, 2017 02;19:192-203; Ambry internal data). This variant was reported in individual(s) with features consistent with hypertrophic cardiomyopathy (HCM); in at least one individual, it was determined to be de novo (Funada A et al. Circ. J., 2010 Nov;74:2674-80; Marsiglia JD et al. Am. Heart J., 2013 Oct;166:775-82; Berge KE et al. Clin. Genet., 2014 Oct;86:355-60; Chiou KR et al. J Cardiol, 2015 Mar;65:250-6; Homburger JR et al. Proc. Natl. Acad. Sci. U.S.A., 2016 06;113:6701-6; Walsh R et al. Genet. Med., 2017 Feb;19:192-203; Zhao Y et al. Int. J. Mol. Med., 2017 Jul;40:121-129). This variant segregated with disease in at least one family with features consistent with HCM (Chiou KR et al. J Cardiol, 2015 Mar;65:250-6). This amino acid position is not well conserved in available vertebrate species. In addition, this alteration is predicted to be deleterious by in silico analysis. Based on the majority of available evidence to date, this variant is likely to be pathogenic.

Women's Health and Genetics/Laboratory Corporation of America, LabCorp
Classification: Pathogenic for Primary familial hypertrophic cardiomyopathy. Last evaluated: 2026-06-09. Review status: criteria provided, single submitter. Criteria: LabCorp Variant Classification Summary - May 2015. Collection method: clinical testing. Allele origin: germline.
Comment: Variant summary: MYH7 c.2572C>T (p.Arg858Cys) results in a non-conservative amino acid change in the encoded protein sequence. Algorithms developed to predict the effect of missense changes on protein structure and function all suggest that this variant is likely to be disruptive. The variant allele was found at a frequency of 1.2e-05 in 251442 control chromosomes. c.2572C>T has been observed in the heterozygous state in multiple individual(s) affected with Hypertrophic Cardiomyopathy, including at least 1 family where it segregated with disease (example, Chiou_2015) and at least 1 individual where it was found de novo (example, Zhao_2017). These data indicate that the variant is likely to be associated with disease. To our knowledge, no experimental evidence demonstrating an impact on protein function has been reported. Internally validated machine learning-based Evidence Modeling of protein sequence and biophysical properties (such as structural, functional, and spatial information, amino acid conservation, physicochemical variation, residue mobility, and thermodynamic stability) indicates that this missense variant is expected to disrupt protein function with a positive predictive value of at least 95%. ClinVar contains an entry for this variant (Variation ID: 164324). To our knowledge, this variant has not been reported in individuals with autosomal recessive MYH7-related conditions. The following publications have been ascertained in the context of this evaluation (PMID: 25086479, 28498465). Based on the evidence outlined above, the variant was classified as pathogenic for autosomal dominant hypertrophic cardiomyopathy.

CeGaT Center for Human Genetics Tuebingen
Classification: Pathogenic. Last evaluated: 2026-04-01. Review status: criteria provided, single submitter. Criteria: CeGaT Center For Human Genetics Tuebingen Variant Classification Criteria Version 2. Collection method: clinical testing. Allele origin: germline. Affected: yes. Observed: 5 variant alleles.
Comment: MYH7: PS4, PM1, PM5, PM2:Supporting, PM6:Supporting

PreventionGenetics, part of Exact Sciences
Classification: Likely pathogenic for MYH7-related condition. Last evaluated: 2026-02-13. Review status: criteria provided, single submitter. Criteria: ACMG Guidelines, 2015. Collection method: clinical testing. Allele origin: germline.
Comment: The MYH7 c.2572C>T variant is predicted to result in the amino acid substitution p.Arg858Cys. This variant has been reported in the heterozygous state in multiple individuals with hypertrophic cardiomyopathy (HCM; see for example, Berge et al. 2013. PubMed ID: 24111713; Marsiglia et al. 2013. PubMed ID: 24093860; Table S1B, Walsh et al. 2016. PubMed ID: 27532257; Table S1, Robyns et al. 2019. PubMed ID: 31513939). This variant has also been reported to segregate with disease in a family with multiple affected individuals exhibiting various severity of HCM (Chiou et al. 2014. PubMed ID: 25086479). In addition, this variant has been reported as apparently arising de novo in an individual with HCM (Zhao et al. 2017. PubMed ID: 28498465). This variant is reported in 0.0062% of alleles in individuals of African descent in gnomAD and is consistently interpreted as likely pathogenic or pathogenic in ClinVar (ClinVar ID: 164324). Taken together, this variant is interpreted as likely pathogenic.

Labcorp Genetics (formerly Invitae), Labcorp
Classification: Pathogenic for Hypertrophic cardiomyopathy. Last evaluated: 2026-01-18. Review status: criteria provided, single submitter. Criteria: Invitae Variant Classification Sherloc (09022015). Collection method: clinical testing. Allele origin: germline.
Comment: This sequence change replaces arginine, which is basic and polar, with cysteine, which is neutral and slightly polar, at codon 858 of the MYH7 protein (p.Arg858Cys). This variant is present in population databases (rs2754158, gnomAD 0.007%). This missense change has been observed in individual(s) with hypertrophic cardiomyopathy (PMID: 15358028, 24093860, 28498465). In at least one individual the variant was observed to be de novo. ClinVar contains an entry for this variant (Variation ID: 164324). Invitae Evidence Modeling of protein sequence and biophysical properties (such as structural, functional, and spatial information, amino acid conservation, physicochemical variation, residue mobility, and thermodynamic stability) indicates that this missense variant is expected to disrupt MYH7 protein function with a positive predictive value of 95%. This variant is found within a region of MYH7 between codons 181 and 937 that contains the majority of the myosin head domain. Missense variants in this region have been shown to be significantly overrepresented in individuals with hypertrophic cardiomyopathy (PMID: 27532257). For these reasons, this variant has been classified as Pathogenic.

GeneDx
Classification: Likely pathogenic. Last evaluated: 2025-12-04. Review status: criteria provided, single submitter. Criteria: GeneDx Variant Classification Process June 2021. Collection method: clinical testing. Allele origin: germline. Affected: yes.
Comment: Not observed at significant frequency in large population cohorts (gnomAD); In silico analysis supports that this missense variant has a deleterious effect on protein structure/function; This variant is associated with the following publications: (PMID: 24111713, 25086479, 15358028, 29169752, 25125180, 26187847, 25937619, 24093860, 27532257, 22958901, 27247418, 19149795, 16938236, 24621997, 28971120, 20975235, 31513939, 31589614, 37652022, 36264615, 25611685, 33495597, 34542152, 33087929, 32894683, 35653365, 28498465, Caroselli2025[Other], 29300372, 40225148, 39020067)

NM_000257.4(MYH7):c.2572C>T (p.Arg858Cys)

Genes: MYH7 (myosin heavy chain 7; minus strand), LOC126861898 (BRD4-independent group 4 enhancer GRCh37_chr14:23893609-23894808; plus strand). Cytogenetic location: 14q11.2.
Variant type: single nucleotide variant.
Coding change: c.2572C>T on transcript NM_000257.4 (MANE Select); coding-DNA position 2572, C replaced by T.
Protein change: p.Arg858Cys; replaces arginine 858 with cysteine.
Molecular consequence: missense variant.
Genome position (GRCh38, 1-based): chr14:23,424,876, G>A on the plus strand (C>T on the coding strand, the complement: MYH7 is on the minus strand). VCF-style: chr14-23424876-G-A. GRCh37 (hg19) VCF-style: chr14-23894085-G-A.
Other names: short protein forms R858C.
Identifiers: ClinVar variation 164324 (VCV000164324.90), dbSNP rs2754158, ClinGen allele CA012656.